The following is an entry in ClinVar:

ClinVar aggregate classification (germline): Uncertain significance. Review status: criteria provided, multiple submitters, no conflicts (2 of 4 stars). 3 submissions from 3 submitters: Uncertain significance (2). 1 of the submissions does not count toward it. Last evaluated 2026-06-01.

Conditions:
Cranioectodermal dysplasia 2 (CED2). Identifiers: Orphanet 1515, MedGen C3150874, MONDO:0013323, OMIM 613610.
Short-rib thoracic dysplasia 7 with or without polydactyly (SRTD7). Also called: Short rib polydactyly syndrome 5; SHORT-RIB THORACIC DYSPLASIA 7 WITH POLYDACTYLY. Identifiers: Orphanet 498497, Orphanet 93271, MedGen C3279792, MONDO:0013569, OMIM 614091.
WDR35-related disorder. Also called: WDR35-related condition; WDR35-related disorders. Identifiers: MedGen CN239419.

Allele frequency attached by ClinVar (database versions not stated): gnomAD exomes 0.00002 and 0.00003; ExAC 0.00003; gnomAD 0.00003; TOPMed 0.00003.
gnomAD v4.1: 44 of 1,613,292 alleles (0.0027%); highest among the groups gnomAD compares: Admixed American, 0.0067%; no homozygotes.

Submissions (3):

CeGaT Center for Human Genetics Tuebingen
Classification: Uncertain significance. Last evaluated: 2026-06-01. Review status: criteria provided, single submitter. Criteria: CeGaT Center For Human Genetics Tuebingen Variant Classification Criteria Version 2. Collection method: clinical testing. Allele origin: germline. Affected: yes. Observed: 1 variant allele.
Comment: WDR35: PM2, BP4

Labcorp Genetics (formerly Invitae), Labcorp
Classification: Uncertain significance for Cranioectodermal dysplasia 2; Short-rib thoracic dysplasia 7 with or without polydactyly. Last evaluated: 2022-09-23. Review status: criteria provided, single submitter. Criteria: Invitae Variant Classification Sherloc (09022015). Collection method: clinical testing. Allele origin: germline.
Comment: This variant is present in population databases (rs762617889, gnomAD 0.01%). This sequence change falls in intron 2 of the WDR35 gene. It does not directly change the encoded amino acid sequence of the WDR35 protein. It affects a nucleotide within the consensus splice site. This variant has not been reported in the literature in individuals affected with WDR35-related conditions. In summary, the available evidence is currently insufficient to determine the role of this variant in disease. Therefore, it has been classified as a Variant of Uncertain Significance. Variants that disrupt the consensus splice site are a relatively common cause of aberrant splicing (PMID: 17576681, 9536098). Algorithms developed to predict the effect of sequence changes on RNA splicing suggest that this variant is not likely to affect RNA splicing. ClinVar contains an entry for this variant (Variation ID: 1506352).

PreventionGenetics, part of Exact Sciences
Classification: Likely benign for WDR35-related condition. Last evaluated: 2021-12-28. Review status: no assertion criteria provided. Collection method: clinical testing. Allele origin: germline. Not counted in ClinVar's aggregate classification.
Comment: This variant is classified as likely benign based on ACMG/AMP sequence variant interpretation guidelines (Richards et al. 2015 PMID: 25741868, with internal and published modifications).

Literature cited by the submitters: PubMed 17576681 (cited by Labcorp Genetics (formerly Invitae), Labcorp); PubMed 9536098 (cited by Labcorp Genetics (formerly Invitae), Labcorp).

NM_020779.4(WDR35):c.142+5A>G

Gene: WDR35 (WD repeat domain 35; minus strand). Cytogenetic location: 2p24.1.
Variant type: single nucleotide variant.
Coding change: c.142+5A>G on transcript NM_020779.4 (MANE Select); 5 bases into the intron after coding-DNA position 142, A replaced by G.
Molecular consequence: intron variant.
Genome position (GRCh38, 1-based): chr2:19,989,160, T>C on the plus strand (A>G on the coding strand, the complement: WDR35 is on the minus strand). VCF-style: chr2-19989160-T-C. GRCh37 (hg19) VCF-style: chr2-20188921-T-C.
Other names: c.142+5A>G (NM_001006657.1, NM_001006657.2).
Identifiers: ClinVar variation 1506352 (VCV001506352.8), dbSNP rs762617889, ClinGen allele CA1543634.